The following is an entry in ClinVar:

ClinVar aggregate classification (germline): Uncertain significance (1 of 4 stars; one submission).

Submission:

Ambry Genetics
Classification: Uncertain significance. Last evaluated: 2026-04-02. Review status: criteria provided, single submitter. Criteria: Ambry Variant Classification Scheme 2023. Collection method: clinical testing. Allele origin: germline.
Comment: The p.G54C variant (also known as c.160G>T), located in coding exon 2 of the PDLIM3 gene, results from a G to T substitution at nucleotide position 160. The glycine at codon 54 is replaced by cysteine, an amino acid with highly dissimilar properties. This amino acid position is conserved. In addition, this alteration is predicted to be deleterious by in silico analysis. Based on the available evidence, the clinical significance of this variant remains unclear.

NM_014476.6(PDLIM3):c.160G>T (p.Gly54Cys)

Gene: PDLIM3 (PDZ and LIM domain 3; minus strand). Cytogenetic location: 4q35.1.
Variant type: single nucleotide variant.
Coding change: c.160G>T on transcript NM_014476.6 (MANE Select); coding-DNA position 160, G replaced by T.
Protein change: p.Gly54Cys; replaces glycine 54 with cysteine.
Molecular consequence: missense variant. On other transcripts: non-coding transcript variant (1), intron variant (1).
Genome position (GRCh38, 1-based): chr4:185,525,105, C>A on the plus strand (G>T on the coding strand, the complement: PDLIM3 is on the minus strand). VCF-style: chr4-185525105-C-A. GRCh37 (hg19) VCF-style: chr4-186446259-C-A.
Other names: c.160G>T, p.Gly54Cys (NM_001114107.5, NM_001257962.2); c.93+10237G>T (NM_001257963.2); short protein forms G54C.
Identifiers: ClinVar variation 4861761 (VCV004861761.1).